The following is an entry in ClinVar:

NM_002067.5(GNA11):c.145G>A (p.Glu49Lys)

Gene: GNA11 (G protein subunit alpha 11; plus strand). Cytogenetic location: 19p13.3.
Variant type: single nucleotide variant.
Coding change: c.145G>A on transcript NM_002067.5 (MANE Select); coding-DNA position 145, G replaced by A.
Protein change: p.Glu49Lys; replaces glutamic acid 49 with lysine.
Molecular consequence: missense variant.
Genome position (GRCh38, 1-based): chr19:3,110,157, G>A. VCF-style: chr19-3110157-G-A. GRCh37 (hg19) VCF-style: chr19-3110155-G-A.
Other names: short protein forms E49K.
Identifiers: ClinVar variation 2692032 (VCV002692032.5), dbSNP rs1913735988, ClinGen allele CA403305360.

ClinVar aggregate classification (germline): Uncertain significance. Review status: criteria provided, multiple submitters, no conflicts (2 of 4 stars). 2 submissions from 2 submitters: Uncertain significance (2). Last evaluated 2025-03-04.

Allele frequency attached by ClinVar (database versions not stated): gnomAD exomes below 0.00001; TOPMed below 0.00001.
gnomAD v4.1: 3 of 1,608,424 alleles (0.00019%); highest among the groups gnomAD compares: Non-Finnish European, 0.00017%; no homozygotes.

Submissions (2):

Center for Genomic Medicine, Rigshospitalet, Copenhagen University Hospital
Classification: Uncertain significance. Last evaluated: 2025-03-04. Review status: criteria provided, single submitter. Criteria: ACMG Guidelines, 2015. Collection method: clinical testing. Allele origin: germline.

Labcorp Genetics (formerly Invitae), Labcorp
Classification: Uncertain significance. Last evaluated: 2023-11-01. Review status: criteria provided, single submitter. Criteria: Invitae Variant Classification Sherloc (09022015). Collection method: clinical testing. Allele origin: germline.
Comment: This sequence change replaces glutamic acid, which is acidic and polar, with lysine, which is basic and polar, at codon 49 of the GNA11 protein (p.Glu49Lys). This variant is not present in population databases (gnomAD no frequency). This variant has not been reported in the literature in individuals affected with GNA11-related conditions. Advanced modeling of protein sequence and biophysical properties (such as structural, functional, and spatial information, amino acid conservation, physicochemical variation, residue mobility, and thermodynamic stability) performed at Invitae indicates that this missense variant is expected to disrupt GNA11 protein function with a positive predictive value of 80%. In summary, the available evidence is currently insufficient to determine the role of this variant in disease. Therefore, it has been classified as a Variant of Uncertain Significance.